The following is an entry in ClinVar:

NM_001200.4(BMP2):c.230C>G (p.Pro77Arg)

Gene: BMP2 (bone morphogenetic protein 2; plus strand). Cytogenetic location: 20p12.3.
Variant type: single nucleotide variant.
Coding change: c.230C>G on transcript NM_001200.4 (MANE Select); coding-DNA position 230, C replaced by G.
Protein change: p.Pro77Arg; replaces proline 77 with arginine.
Molecular consequence: missense variant.
Genome position (GRCh38, 1-based): chr20:6,770,356, C>G. VCF-style: chr20-6770356-C-G. GRCh37 (hg19) VCF-style: chr20-6751003-C-G.
Other names: short protein forms P77R.
Identifiers: ClinVar variation 1430527 (VCV001430527.8), dbSNP rs151071707, ClinGen allele CA9758626.

ClinVar aggregate classification (germline): Uncertain significance (1 of 4 stars; one submission).

Allele frequency attached by ClinVar (database versions not stated): gnomAD 0.00001; ExAC 0.00002; ESP Exome Variant Server 0.00008.
gnomAD v4.1: 23 of 1,613,326 alleles (0.0014%); highest among the groups gnomAD compares: East Asian, 0.0067%; no homozygotes.

Submission:

Labcorp Genetics (formerly Invitae), Labcorp
Classification: Uncertain significance. Last evaluated: 2026-01-19. Review status: criteria provided, single submitter. Criteria: Invitae Variant Classification Sherloc (09022015). Collection method: clinical testing. Allele origin: germline.
Comment: This sequence change replaces proline, which is neutral and non-polar, with arginine, which is basic and polar, at codon 77 of the BMP2 protein (p.Pro77Arg). This variant is present in population databases (rs151071707, gnomAD 0.004%). This variant has not been reported in the literature in individuals affected with BMP2-related conditions. ClinVar contains an entry for this variant (Variation ID: 1430527). An algorithm developed to predict the effect of missense changes on protein structure and function (PolyPhen-2) suggests that this variant is likely to be disruptive. In summary, the available evidence is currently insufficient to determine the role of this variant in disease. Therefore, it has been classified as a Variant of Uncertain Significance.